The following is an entry in ClinVar:

ClinVar aggregate classification (germline): Conflicting classifications of pathogenicity. Review status: criteria provided, conflicting classifications (1 of 4 stars). 4 submissions from 4 submitters: Uncertain significance (1); Likely benign (3). Last evaluated 2026-08-01.

Conditions:
Inborn genetic diseases. Identifiers: MedGen C0950123, MeSH D030342.
Seckel syndrome 1 (SCKL1). Also called: MICROCEPHALIC PRIMORDIAL DWARFISM I. Identifiers: Orphanet 808, MedGen C4551474, MONDO:0008869, OMIM 210600.

Allele frequency attached by ClinVar (database versions not stated): ExAC 0.00001; gnomAD 0.00001; gnomAD exomes 0.00001; TOPMed 0.00003.
gnomAD v4.1: 12 of 1,613,076 alleles (0.00074%); highest among the groups gnomAD compares: Admixed American, 0.005%; no homozygotes.

Submissions (4):

CeGaT Center for Human Genetics Tuebingen
Classification: Likely benign. Last evaluated: 2026-08-01. Review status: criteria provided, single submitter. Criteria: CeGaT Center For Human Genetics Tuebingen Variant Classification Criteria Version 2. Collection method: clinical testing. Allele origin: germline. Affected: yes. Observed: 1 variant allele.
Comment: ATR: BP4, BP7

Labcorp Genetics (formerly Invitae), Labcorp
Classification: Likely benign. Last evaluated: 2024-08-19. Review status: criteria provided, single submitter. Criteria: Invitae Variant Classification Sherloc (09022015). Collection method: clinical testing. Allele origin: germline.

Ambry Genetics
Classification: Likely benign for Inborn genetic diseases. Last evaluated: 2022-05-12. Review status: criteria provided, single submitter. Criteria: Ambry Variant Classification Scheme 2023. Collection method: clinical testing. Allele origin: germline.

Illumina Laboratory Services, Illumina
Classification: Uncertain significance for Seckel syndrome 1. Last evaluated: 2018-01-13. Review status: criteria provided, single submitter. Criteria: ICSL Variant Classification Criteria 13 December 2019. Collection method: clinical testing. Allele origin: germline.

NM_001184.4(ATR):c.3549A>G (p.Arg1183=)

Gene: ATR (ATR checkpoint kinase; minus strand). Cytogenetic location: 3q23.
Variant type: single nucleotide variant.
Coding change: c.3549A>G on transcript NM_001184.4 (MANE Select); coding-DNA position 3549, A replaced by G.
Protein change: p.Arg1183=; no amino-acid change (arginine 1183 retained).
Molecular consequence: synonymous variant.
Genome position (GRCh38, 1-based): chr3:142,540,936, T>C on the plus strand (A>G on the coding strand, the complement: ATR is on the minus strand). VCF-style: chr3-142540936-T-C. GRCh37 (hg19) VCF-style: chr3-142259778-T-C.
Other names: c.3357A>G, p.Arg1119= (NM_001354579.2).
Identifiers: ClinVar variation 901118 (VCV000901118.17), dbSNP rs754976013, ClinGen allele CA2650081.
Genomic context (GRCh38, chr3:142,540,936, plus strand): 5'-AAATTAATAAACTCAGGCAGTCATTTACCTGCAACACAATTCAGGAAAATCATCCTTGAA[T>C]CGAAGGCCAGTTCTCAGTGTGGTCATCATCTTCACCCTCACAGAACTGACATGTTTGGGT-3'
Protein context (NP_001175.2, residues 1173-1193): KMMTTLRTGL[Arg1183=]FKDDFPELCC